The following is an entry in ClinVar:

NM_001282359.2(ZNF107):c.2283T>C (p.Tyr761=)

Gene: ZNF107 (zinc finger protein 107; plus strand). Cytogenetic location: 7q11.21.
Variant type: single nucleotide variant.
Coding change: c.2283T>C on transcript NM_001282359.2 (MANE Select); coding-DNA position 2283, T replaced by C.
Protein change: p.Tyr761=; no amino-acid change (tyrosine 761 retained).
Molecular consequence: synonymous variant.
Genome position (GRCh38, 1-based): chr7:64,708,380, T>C. VCF-style: chr7-64708380-T-C. GRCh37 (hg19) VCF-style: chr7-64168758-T-C.
Other names: c.2076T>C, p.Tyr692= (NM_001013746.3, NM_016220.5); c.2187T>C, p.Tyr729= (NM_001282360.2); c.2415T>C, p.Tyr805= (NM_001388025.1); c.2298T>C, p.Tyr766= (NM_001388026.1).
Identifiers: ClinVar variation 3387877 (VCV003387877.14).

ClinVar aggregate classification (germline): Likely benign (1 of 4 stars; one submission).

Submission:

CeGaT Center for Human Genetics Tuebingen
Classification: Likely benign. Last evaluated: 2024-11-01. Review status: criteria provided, single submitter. Criteria: CeGaT Center For Human Genetics Tuebingen Variant Classification Criteria Version 2. Collection method: clinical testing. Allele origin: germline. Affected: yes. Observed: 1 variant allele.
Comment: ZNF107: BP4, BP7